The following is an entry in ClinVar:

NM_004260.4(RECQL4):c.2192G>A (p.Gly731Glu)

Gene: RECQL4 (RecQ like helicase 4; minus strand). Cytogenetic location: 8q24.3.
Variant type: single nucleotide variant.
Coding change: c.2192G>A on transcript NM_004260.4 (MANE Select); coding-DNA position 2192, G replaced by A.
Protein change: p.Gly731Glu; replaces glycine 731 with glutamic acid.
Molecular consequence: missense variant.
Genome position (GRCh38, 1-based): chr8:144,513,579, C>T on the plus strand (G>A on the coding strand, the complement: RECQL4 is on the minus strand). VCF-style: chr8-144513579-C-T. GRCh37 (hg19) VCF-style: chr8-145738963-C-T.
Other names: c.2192G>A (NM_004260.3); short protein forms G731E.
Identifiers: ClinVar variation 1057760 (VCV001057760.4), dbSNP rs762080821, ClinGen allele CA4948427.

ClinVar aggregate classification (germline): Uncertain significance. Review status: criteria provided, multiple submitters, no conflicts (2 of 4 stars). 2 submissions from 2 submitters: Uncertain significance (2). Last evaluated 2026-02-11.

Conditions:
Baller-Gerold syndrome (BGS). Also called: CRANIOSYNOSTOSIS WITH RADIAL DEFECTS. Identifiers: Orphanet 1225, MedGen C0265308, MONDO:0009039, OMIM 218600.
Rothmund-Thomson syndrome type 2 (RTS2). Identifiers: Orphanet 221016, MedGen C5203410, MONDO:0016369, OMIM 268400.

Allele frequency attached by ClinVar (database versions not stated): ExAC 0.00001.
gnomAD v4.1: 11 of 1,610,546 alleles (0.00068%); highest among the groups gnomAD compares: Middle Eastern, 0.016%; no homozygotes.

Submissions (2):

St. Jude Molecular Pathology, St. Jude Children's Research Hospital
Classification: Uncertain significance for Rothmund-Thomson syndrome type 2. Last evaluated: 2026-02-11. Review status: criteria provided, single submitter. Criteria: St. Jude Assertion Criteria 2020. Collection method: clinical testing. Allele origin: germline.
Comment: The RECQL4 c.2192G>A p.(Gly731Glu) missense change has a maximum subpopulation frequency of 0.009% in gnomAD v2.1.1. In silico tools are inconclusive about a pathogenic or benign effect of this variant on protein function, and to our knowledge functional studies have not been performed. To our knowledge, this variant has not been reported in individuals with RECQL4-associated conditions. In summary, the evidence currently available is insufficient to determine the clinical significance of this variant. It has therefore been classified as of uncertain significance.

Labcorp Genetics (formerly Invitae), Labcorp
Classification: Uncertain significance for Baller-Gerold syndrome. Last evaluated: 2023-02-10. Review status: criteria provided, single submitter. Criteria: Invitae Variant Classification Sherloc (09022015). Collection method: clinical testing. Allele origin: germline.
Comment: This variant has not been reported in the literature in individuals affected with RECQL4-related conditions. This sequence change replaces glycine, which is neutral and non-polar, with glutamic acid, which is acidic and polar, at codon 731 of the RECQL4 protein (p.Gly731Glu). The frequency data for this variant in the population databases is considered unreliable, as metrics indicate poor data quality at this position in the gnomAD database. ClinVar contains an entry for this variant (Variation ID: 1057760). Advanced modeling of protein sequence and biophysical properties (such as structural, functional, and spatial information, amino acid conservation, physicochemical variation, residue mobility, and thermodynamic stability) performed at Invitae indicates that this missense variant is not expected to disrupt RECQL4 protein function. In summary, the available evidence is currently insufficient to determine the role of this variant in disease. Therefore, it has been classified as a Variant of Uncertain Significance.